The following is an entry in ClinVar:

NM_025074.7(FRAS1):c.2638A>C (p.Thr880Pro)

Gene: FRAS1 (Fraser extracellular matrix complex subunit 1; plus strand). Cytogenetic location: 4q21.21.
Variant type: single nucleotide variant.
Coding change: c.2638A>C on transcript NM_025074.7 (MANE Select); coding-DNA position 2638, A replaced by C.
Protein change: p.Thr880Pro; replaces threonine 880 with proline.
Molecular consequence: missense variant.
Genome position (GRCh38, 1-based): chr4:78,363,970, A>C. VCF-style: chr4-78363970-A-C. GRCh37 (hg19) VCF-style: chr4-79285124-A-C.
Other names: c.2638A>C, p.Thr880Pro (NM_001166133.2); short protein forms T880P.
Identifiers: ClinVar variation 4708834 (VCV004708834.1).
Genomic context (GRCh38, chr4:78,363,970, plus strand): 5'-TGCCACTCCTCCTGCAGAACCTGCCAGGGCAGAGGACCTTTCTCCTGCTCCTCATGTGAC[A>C]CCAACCTCGTGCTGTCCCACACTGGCACCTGCAGCACCACCTGCTTCCCTGGGCACTATC-3'
Protein context (NP_079350.5, residues 870-890): RGPFSCSSCD[Thr880Pro]NLVLSHTGTC

ClinVar aggregate classification (germline): Uncertain significance (1 of 4 stars; one submission).

gnomAD v4.1: 6 of 1,613,040 alleles (0.00037%); highest among the groups gnomAD compares: Admixed American, 0.0083%; no homozygotes.

Submission:

Labcorp Genetics (formerly Invitae), Labcorp
Classification: Uncertain significance. Last evaluated: 2025-05-08. Review status: criteria provided, single submitter. Criteria: Invitae Variant Classification Sherloc (09022015). Collection method: clinical testing. Allele origin: germline.
Comment: This sequence change replaces threonine, which is neutral and polar, with proline, which is neutral and non-polar, at codon 880 of the FRAS1 protein (p.Thr880Pro). This variant is not present in population databases (gnomAD no frequency). This variant has not been reported in the literature in individuals affected with FRAS1-related conditions. An algorithm developed to predict the effect of missense changes on protein structure and function outputs the following: PolyPhen-2: "Benign". The proline amino acid residue is found in multiple mammalian species, which suggests that this missense change does not adversely affect protein function. In summary, the available evidence is currently insufficient to determine the role of this variant in disease. Therefore, it has been classified as a Variant of Uncertain Significance.